The following is an entry in ClinVar:

NM_000466.3(PEX1):c.2480del (p.Arg827fs)

Gene: PEX1 (peroxisomal biogenesis factor 1; minus strand). Cytogenetic location: 7q21.2.
Variant type: Deletion.
Coding change: c.2480del on transcript NM_000466.3 (MANE Select); coding-DNA position 2480, one base deleted (G; older notation c.2480delG).
Protein change: p.Arg827fs; shifts the reading frame from arginine 827.
Molecular consequence: frameshift variant.
Genome position (GRCh38, 1-based): chr7:92,501,610, C deleted on the plus strand (G on the coding strand, the reverse complement: PEX1 is on the minus strand). VCF-style (leftmost placement, unchanged base first): chr7-92501609-TC-T. GRCh37 (hg19) VCF-style: chr7-92130923-TC-T.
Other names: c.2309del, p.Arg770fs (NM_001282677.2); c.1856del, p.Arg619fs (NM_001282678.2); short protein forms R827fs, R619fs, R770fs.
Identifiers: ClinVar variation 2735053 (VCV002735053.5), dbSNP rs2484660252, ClinGen allele CA2683718798.

ClinVar aggregate classification (germline): Pathogenic. Review status: criteria provided, multiple submitters, no conflicts (2 of 4 stars). 3 submissions from 3 submitters: Pathogenic (3). Last evaluated 2024-05-15.

Conditions:
Peroxisome biogenesis disorder 1B (PBD1B). Also called: Refsum disease, infantile form; Infantile Refsum disease; Infantile form of phytanic acid storage disease; PEROXISOME BIOGENESIS DISORDER (NEONATAL ADRENOLEUKODYSTROPHY/INFANTILE REFSUM DISEASE); INFANTILE PHYTANIC ACID STORAGE DISEASE; PEROXISOME BIOGENESIS DISORDER (NALD/IRD). Identifiers: Orphanet 44, MedGen C0282527, MONDO:0011101, OMIM 601539.
Peroxisome biogenesis disorder 1A (Zellweger) (PBD1A). Also called: Peroxisome biogenesis disorder 1a; Zellweger leukodystrophy. Identifiers: MedGen C4721541, MONDO:0008953, OMIM 214100.
Heimler syndrome 1 (HMLR1). Also called: PEROXISOME BIOGENESIS DISORDER 1C. Identifiers: Orphanet 3220, MedGen C4551980, OMIM 234580, MONDO:0024544.
Zellweger spectrum disorders (ZS). Also called: Zellweger syndrome; Zellweger Spectrum Disorder; Zellweger Spectrum; Zellweger Spectrum Disorder (ZSD). Identifiers: Orphanet 912, MedGen C0043459, MONDO:0019609.
PEX1-related disorder. Also called: PEX1-related condition.

Submissions (3):

Fulgent Genetics
Classification: Pathogenic for Peroxisome biogenesis disorder 1A (Zellweger); Heimler syndrome 1; Peroxisome biogenesis disorder 1B. Last evaluated: 2024-05-15. Review status: criteria provided, single submitter. Criteria: ACMG Guidelines, 2015. Collection method: clinical testing. Allele origin: germline.

Labcorp Genetics (formerly Invitae), Labcorp
Classification: Pathogenic for Zellweger spectrum disorders. Last evaluated: 2023-11-20. Review status: criteria provided, single submitter. Criteria: Invitae Variant Classification Sherloc (09022015). Collection method: clinical testing. Allele origin: germline.
Comment: This sequence change creates a premature translational stop signal (p.Arg827Glnfs*64) in the PEX1 gene. It is expected to result in an absent or disrupted protein product. Loss-of-function variants in PEX1 are known to be pathogenic (PMID: 21031596, 26387595, 31831025). This variant is not present in population databases (gnomAD no frequency). This premature translational stop signal has been observed in individual(s) with clinical features of Zellweger spectrum disorder (PMID: 28600779). This variant is also known as c.2309delG (p.R770fs). For these reasons, this variant has been classified as Pathogenic.

Blueprint Genetics
Classification: Pathogenic for PEX1-related disorders. Last evaluated: 2023-04-21. Review status: criteria provided, single submitter. Criteria: ACMG Guidelines, 2015. Collection method: clinical testing. Allele origin: germline. Affected: yes. Observed: 2 variant alleles.

Literature cited by the submitters: PubMed 21031596 (cited by Labcorp Genetics (formerly Invitae), Labcorp); PubMed 26387595 (cited by Labcorp Genetics (formerly Invitae), Labcorp); PubMed 31831025 (cited by Labcorp Genetics (formerly Invitae), Labcorp); PubMed 28600779 (cited by Labcorp Genetics (formerly Invitae), Labcorp).